The following is an entry in ClinVar:

NM_001171.6(ABCC6):c.3208G>A (p.Ala1070Thr)

Gene: ABCC6 (ATP binding cassette subfamily C member 6; minus strand). Cytogenetic location: 16p13.11.
Variant type: single nucleotide variant.
Coding change: c.3208G>A on transcript NM_001171.6 (MANE Select); coding-DNA position 3208, G replaced by A.
Protein change: p.Ala1070Thr; replaces alanine 1070 with threonine.
Molecular consequence: missense variant. On other transcripts: non-coding transcript variant (1).
Genome position (GRCh38, 1-based): chr16:16,165,721, C>T on the plus strand (G>A on the coding strand, the complement: ABCC6 is on the minus strand). VCF-style: chr16-16165721-C-T. GRCh37 (hg19) VCF-style: chr16-16259578-C-T.
Other names: c.2866G>A, p.Ala956Thr (NM_001351800.1); short protein forms A956T, A1070T.
Identifiers: ClinVar variation 2163223 (VCV002163223.2), dbSNP rs369518454, ClinGen allele CA7925659.

ClinVar aggregate classification (germline): Uncertain significance. Review status: criteria provided, multiple submitters, no conflicts (2 of 4 stars). 2 submissions from 2 submitters: Uncertain significance (2). Last evaluated 2024-02-09.

Conditions:
Pseudoxanthoma elasticum, forme fruste. Also called: Pseudoxanthoma Elasticum, Incomplete; PSEUDOXANTHOMA ELASTICUM, HETEROZYGOUS. Identifiers: Orphanet 758, MedGen C1867450, MONDO:0008333, OMIM 177850.
Autosomal recessive inherited pseudoxanthoma elasticum (PXE). Identifiers: Orphanet 758, MedGen CN032334, MONDO:0009925, OMIM 264800.
Arterial calcification, generalized, of infancy, 2. Identifiers: Orphanet 51608, MedGen C3276161, MONDO:0013768, OMIM 614473.

Allele frequency attached by ClinVar (database versions not stated): ESP Exome Variant Server 0.00008; ExAC 0.00003; TOPMed 0.00001.
gnomAD v4.1: 7 of 1,613,680 alleles (0.00043%); highest among the groups gnomAD compares: African/African-American, 0.0027%; no homozygotes.

Submissions (2):

Fulgent Genetics
Classification: Uncertain significance for Pseudoxanthoma elasticum, forme fruste; Autosomal recessive inherited pseudoxanthoma elasticum; Arterial calcification, generalized, of infancy, 2. Last evaluated: 2024-02-09. Review status: criteria provided, single submitter. Criteria: ACMG Guidelines, 2015. Collection method: clinical testing. Allele origin: germline.

Labcorp Genetics (formerly Invitae), Labcorp
Classification: Uncertain significance. Last evaluated: 2022-04-10. Review status: criteria provided, single submitter. Criteria: Invitae Variant Classification Sherloc (09022015). Collection method: clinical testing. Allele origin: germline.
Comment: This sequence change replaces alanine, which is neutral and non-polar, with threonine, which is neutral and polar, at codon 1070 of the ABCC6 protein (p.Ala1070Thr). This variant is present in population databases (rs369518454, gnomAD 0.02%). This variant has not been reported in the literature in individuals affected with ABCC6-related conditions. Advanced modeling of protein sequence and biophysical properties (such as structural, functional, and spatial information, amino acid conservation, physicochemical variation, residue mobility, and thermodynamic stability) performed at Invitae indicates that this missense variant is not expected to disrupt ABCC6 protein function. In summary, the available evidence is currently insufficient to determine the role of this variant in disease. Therefore, it has been classified as a Variant of Uncertain Significance.